The following is an entry in ClinVar:

ClinVar aggregate classification (germline): Uncertain significance. Review status: criteria provided, multiple submitters, no conflicts (2 of 4 stars). 2 submissions from 2 submitters: Uncertain significance (2). Last evaluated 2023-11-27.

Allele frequency attached by ClinVar (database versions not stated): TOPMed below 0.00001; gnomAD 0.00001 and 0.00003; ExAC 0.00002; gnomAD exomes 0.00002; 1000 Genomes Project 30x 0.00031; 1000 Genomes Project 0.00040.
gnomAD v4.1: 28 of 1,614,134 alleles (0.0017%); highest among the groups gnomAD compares: Middle Eastern, 0.017%; no homozygotes.

Submissions (2):

Labcorp Genetics (formerly Invitae), Labcorp
Classification: Uncertain significance. Last evaluated: 2023-11-27. Review status: criteria provided, single submitter. Criteria: Invitae Variant Classification Sherloc (09022015). Collection method: clinical testing. Allele origin: germline.
Comment: This sequence change replaces arginine, which is basic and polar, with tryptophan, which is neutral and slightly polar, at codon 187 of the PDZD7 protein (p.Arg187Trp). This variant is present in population databases (rs559297316, gnomAD 0.01%). This variant has not been reported in the literature in individuals affected with PDZD7-related conditions. ClinVar contains an entry for this variant (Variation ID: 546653). Advanced modeling of protein sequence and biophysical properties (such as structural, functional, and spatial information, amino acid conservation, physicochemical variation, residue mobility, and thermodynamic stability) performed at Invitae indicates that this missense variant is not expected to disrupt PDZD7 protein function with a negative predictive value of 80%. In summary, the available evidence is currently insufficient to determine the role of this variant in disease. Therefore, it has been classified as a Variant of Uncertain Significance.

CeGaT Center for Human Genetics Tuebingen
Classification: Uncertain significance. Last evaluated: 2018-07-01. Review status: criteria provided, single submitter. Criteria: CeGaT Center For Human Genetics Tuebingen Variant Classification Criteria Version 2. Collection method: clinical testing. Allele origin: germline. Affected: yes. Observed: 3 variant alleles.

NM_001195263.2(PDZD7):c.559C>T (p.Arg187Trp)

Gene: PDZD7 (PDZ domain containing 7; minus strand). Cytogenetic location: 10q24.31.
Variant type: single nucleotide variant.
Coding change: c.559C>T on transcript NM_001195263.2 (MANE Select); coding-DNA position 559, C replaced by T.
Protein change: p.Arg187Trp; replaces arginine 187 with tryptophan.
Molecular consequence: missense variant.
Genome position (GRCh38, 1-based): chr10:101,022,369, G>A on the plus strand (C>T on the coding strand, the complement: PDZD7 is on the minus strand). VCF-style: chr10-101022369-G-A. GRCh37 (hg19) VCF-style: chr10-102782126-G-A.
Other names: c.559C>T, p.Arg187Trp (NM_001351044.2, NM_024895.5); short protein forms R187W.
Identifiers: ClinVar variation 546653 (VCV000546653.45), dbSNP rs559297316, ClinGen allele CA5654334.